The following is an entry in ClinVar:

ClinVar aggregate classification (germline): Uncertain significance (1 of 4 stars; one submission).

Conditions:
Neuropathy, hereditary sensory and autonomic, type 2A (HSAN2A). Also called: ACROOSTEOLYSIS, GIACCAI TYPE; ACROOSTEOLYSIS, NEUROGENIC; MORVAN DISEASE; NEUROPATHY, CONGENITAL SENSORY; NEUROPATHY, HEREDITARY SENSORY RADICULAR, AUTOSOMAL RECESSIVE; NEUROPATHY, HEREDITARY SENSORY, TYPE IIA. Identifiers: Orphanet 970, MedGen C2752089, MONDO:0024309, OMIM 201300.
Generalized epilepsy with febrile seizures plus, type 7 (GEFSP7). Also called: GEFS+, TYPE 7. Identifiers: Orphanet 36387, MedGen C2751778, MONDO:0013470, OMIM 613863.

Allele frequency attached by ClinVar (database versions not stated): gnomAD exomes below 0.00001; TOPMed below 0.00001; ExAC 0.00001.

Submission:

Labcorp Genetics (formerly Invitae), Labcorp
Classification: Uncertain significance for Neuropathy, hereditary sensory and autonomic, type 2A; Generalized epilepsy with febrile seizures plus, type 7. Last evaluated: 2022-12-14. Review status: criteria provided, single submitter. Criteria: Invitae Variant Classification Sherloc (09022015). Collection method: clinical testing. Allele origin: germline.
Comment: In summary, the available evidence is currently insufficient to determine the role of this variant in disease. Therefore, it has been classified as a Variant of Uncertain Significance. Advanced modeling of protein sequence and biophysical properties (such as structural, functional, and spatial information, amino acid conservation, physicochemical variation, residue mobility, and thermodynamic stability) performed at Invitae indicates that this missense variant is not expected to disrupt SCN9A protein function. This variant has not been reported in the literature in individuals affected with SCN9A-related conditions. This variant is present in population databases (rs758053863, gnomAD 0.003%). This sequence change replaces aspartic acid, which is acidic and polar, with glycine, which is neutral and non-polar, at codon 1064 of the SCN9A protein (p.Asp1064Gly).

NM_001365536.1(SCN9A):c.3224A>G (p.Asp1075Gly)

Genes: SCN9A (sodium voltage-gated channel alpha subunit 9; minus strand), SCN1A-AS1 (SCN1A and SCN9A antisense RNA 1; plus strand). Cytogenetic location: 2q24.3.
Variant type: single nucleotide variant.
Coding change: c.3224A>G on transcript NM_001365536.1 (MANE Select); coding-DNA position 3224, A replaced by G.
Protein change: p.Asp1075Gly; replaces aspartic acid 1075 with glycine.
Molecular consequence: missense variant.
Genome position (GRCh38, 1-based): chr2:166,272,526, T>C on the plus strand (A>G on the coding strand, the complement: SCN9A is on the minus strand). VCF-style: chr2-166272526-T-C. GRCh37 (hg19) VCF-style: chr2-167129036-T-C.
Other names: c.3191A>G, p.Asp1064Gly (NM_002977.4); short protein forms D1075G, D1064G.
Identifiers: ClinVar variation 2131103 (VCV002131103.4), dbSNP rs758053863, ClinGen allele CA1944118.
Genomic context (GRCh38, chr2:166,272,526, plus strand): 5'-TCCCCAGGTGCAATTGGCACTGTCACTGTGAGGCTGGGATTGTGAATAAATGATTGACCA[T>C]CACTGTCTTCCATCAAGTGTTTGTCCACGCTGCTTCCAAAACCACTGATTTTATCTTTTT-3'
Protein context (NP_001352465.1, residues 1065-1085): SVDKHLMEDS[Asp1075Gly]GQSFIHNPSL